The following is an entry in ClinVar:

NM_004341.5(CAD):c.3793C>T (p.Gln1265Ter)

Gene: CAD (carbamoyl-phosphate synthetase 2, aspartate transcarbamylase, and dihydroorotase; plus strand). Cytogenetic location: 2p23.3.
Variant type: single nucleotide variant.
Coding change: c.3793C>T on transcript NM_004341.5 (MANE Select); coding-DNA position 3793, C replaced by T.
Protein change: p.Gln1265Ter; replaces glutamine 1265 with a stop codon.
Molecular consequence: nonsense.
Genome position (GRCh38, 1-based): chr2:27,235,251, C>T. VCF-style: chr2-27235251-C-T. GRCh37 (hg19) VCF-style: chr2-27458119-C-T.
Other names: c.3604C>T, p.Gln1202Ter (NM_001306079.2); short protein forms Q1265*, Q1202*.
Identifiers: ClinVar variation 2809611 (VCV002809611.3), dbSNP rs2465337001, ClinGen allele CA346216765.

ClinVar aggregate classification (germline): Pathogenic (1 of 4 stars; one submission).

Submission:

Labcorp Genetics (formerly Invitae), Labcorp
Classification: Pathogenic. Last evaluated: 2023-10-22. Review status: criteria provided, single submitter. Criteria: Invitae Variant Classification Sherloc (09022015). Collection method: clinical testing. Allele origin: germline.
Comment: This sequence change creates a premature translational stop signal (p.Gln1265*) in the CAD gene. It is expected to result in an absent or disrupted protein product. Loss-of-function variants in CAD are known to be pathogenic (PMID: 28007989, 32117025, 32820246, 33497533). This variant is not present in population databases (gnomAD no frequency). This variant has not been reported in the literature in individuals affected with CAD-related conditions. For these reasons, this variant has been classified as Pathogenic.

Literature cited by the submitters: PubMed 28007989; PubMed 32117025; PubMed 32820246; PubMed 33497533.